The following is an entry in ClinVar:

NM_002471.4(MYH6):c.2842G>A (p.Glu948Lys)

Gene: MYH6 (myosin heavy chain 6; minus strand). Cytogenetic location: 14q11.2.
Variant type: single nucleotide variant.
Coding change: c.2842G>A on transcript NM_002471.4 (MANE Select); coding-DNA position 2842, G replaced by A.
Protein change: p.Glu948Lys; replaces glutamic acid 948 with lysine.
Molecular consequence: missense variant.
Genome position (GRCh38, 1-based): chr14:23,393,752, C>T on the plus strand (G>A on the coding strand, the complement: MYH6 is on the minus strand). VCF-style: chr14-23393752-C-T. GRCh37 (hg19) VCF-style: chr14-23862961-C-T.
Other names: short protein forms E948K.
Identifiers: ClinVar variation 807079 (VCV000807079.22), dbSNP rs538791600, ClinGen allele CA7115365.
Genomic context (GRCh38, chr14:23,393,752, plus strand): 5'-TCTCCACCTTGGCCAGTGTCAGCTCCAGGTCATCAATGTCCTTCTTGAGCTCTGAGCACT[C>T]GTCTTCCAGCTTGCGCTTCTTGGCAGTGAGCTCCGCGTTCATCTCCTCCTCATCCTCCAG-3'
Protein context (NP_002462.2, residues 938-958): LTAKKRKLED[Glu948Lys]CSELKKDIDD

ClinVar aggregate classification (germline): Uncertain significance. Review status: criteria provided, multiple submitters, no conflicts (2 of 4 stars). 2 submissions from 2 submitters: Uncertain significance (2). Last evaluated 2026-01-26.

Conditions:
Hypertrophic cardiomyopathy 14. Identifiers: MedGen C2750467, MONDO:0013197, OMIM 613251.
Cardiovascular phenotype. Identifiers: MedGen CN230736.

Allele frequency attached by ClinVar (database versions not stated): ExAC 0.00002; gnomAD exomes 0.00002; TOPMed 0.00003; gnomAD 0.00006.
gnomAD v4.1: 31 of 1,614,098 alleles (0.0019%); highest among the groups gnomAD compares: Non-Finnish European, 0.0025%; no homozygotes.

Submissions (2):

Labcorp Genetics (formerly Invitae), Labcorp
Classification: Uncertain significance for Hypertrophic cardiomyopathy 14. Last evaluated: 2026-01-26. Review status: criteria provided, single submitter. Criteria: Invitae Variant Classification Sherloc (09022015). Collection method: clinical testing. Allele origin: germline.
Comment: This sequence change replaces glutamic acid, which is acidic and polar, with lysine, which is basic and polar, at codon 948 of the MYH6 protein (p.Glu948Lys). This variant is present in population databases (rs538791600, gnomAD 0.007%). This missense change has been observed in individual(s) with mitral valve prolapse (PMID: 32277046). ClinVar contains an entry for this variant (Variation ID: 807079). Invitae Evidence Modeling of protein sequence and biophysical properties (such as structural, functional, and spatial information, amino acid conservation, physicochemical variation, residue mobility, and thermodynamic stability) has been performed for this missense variant. However, the output from this modeling did not meet the statistical confidence thresholds required to predict the impact of this variant on MYH6 protein function. In summary, the available evidence is currently insufficient to determine the role of this variant in disease. Therefore, it has been classified as a Variant of Uncertain Significance.

Ambry Genetics
Classification: Uncertain significance for Cardiovascular phenotype. Last evaluated: 2024-06-28. Review status: criteria provided, single submitter. Criteria: Ambry Variant Classification Scheme 2023. Collection method: clinical testing. Allele origin: germline.
Comment: The p.E948K variant (also known as c.2842G>A), located in coding exon 20 of the MYH6 gene, results from a G to A substitution at nucleotide position 2842. The glutamic acid at codon 948 is replaced by lysine, an amino acid with similar properties. This amino acid position is highly conserved in available vertebrate species. In addition, this alteration is predicted to be deleterious by in silico analysis. Based on the available evidence, the clinical significance of this variant remains unclear.

Literature cited by the submitters: PubMed 32277046 (cited by Labcorp Genetics (formerly Invitae), Labcorp).